The following is an entry in ClinVar:

ClinVar aggregate classification (germline): Uncertain significance (1 of 4 stars; one submission).

Conditions:
UCP3-related disorder. Also called: UCP3-related condition.

gnomAD v4.1: 6 of 1,614,238 alleles (0.00037%); highest among the groups gnomAD compares: Non-Finnish European, 0.00051%; no homozygotes.

Submission:

PreventionGenetics, part of Exact Sciences
Classification: Uncertain significance for UCP3-related condition. Last evaluated: 2025-04-17. Review status: criteria provided, single submitter. Criteria: ACMG Guidelines, 2015. Collection method: clinical testing. Allele origin: germline.
Comment: The UCP3 c.470G>C variant is predicted to result in the amino acid substitution p.Arg157Thr. To our knowledge, this variant has not been reported in the literature or in a large population database (gnomAD), indicating this variant is rare. At this time, the clinical significance of this variant is uncertain due to the absence of conclusive functional and genetic evidence.

NM_003356.4(UCP3):c.470G>C (p.Arg157Thr)

Gene: UCP3 (uncoupling protein 3; minus strand). Cytogenetic location: 11q13.4.
Variant type: single nucleotide variant.
Coding change: c.470G>C on transcript NM_003356.4 (MANE Select); coding-DNA position 470, G replaced by C.
Protein change: p.Arg157Thr; replaces arginine 157 with threonine.
Molecular consequence: missense variant.
Genome position (GRCh38, 1-based): chr11:74,005,801, C>G on the plus strand (G>C on the coding strand, the complement: UCP3 is on the minus strand). VCF-style: chr11-74005801-C-G. GRCh37 (hg19) VCF-style: chr11-73716846-C-G.
Other names: c.470G>C, p.Arg157Thr (NM_022803.3); short protein forms R157T.
Identifiers: ClinVar variation 4990712 (VCV004990712.1).